The following is an entry in ClinVar:

NM_031206.7(LAS1L):c.384G>C (p.Glu128Asp)

Gene: LAS1L (LAS1 like ribosome biogenesis factor; minus strand). Cytogenetic location: Xq12.
Variant type: single nucleotide variant.
Coding change: c.384G>C on transcript NM_031206.7 (MANE Select); coding-DNA position 384, G replaced by C.
Protein change: p.Glu128Asp; replaces glutamic acid 128 with aspartic acid.
Molecular consequence: missense variant. On other transcripts: non-coding transcript variant (3), 5 prime UTR variant (1).
Genome position (GRCh38, 1-based): chrX:65,532,609, C>G on the plus strand (G>C on the coding strand, the complement: LAS1L is on the minus strand). VCF-style: chrX-65532609-C-G. GRCh37 (hg19) VCF-style: chrX-64752489-C-G.
Other names: c.384G>C, p.Glu128Asp (NM_001375330.1, NM_001375331.1, NM_001375333.1 and 10 more transcripts); c.-413G>C (NM_001375332.1); c.258G>C, p.Glu86Asp (NM_001170650.2); short protein forms E128D, E86D.
Identifiers: ClinVar variation 4882353 (VCV004882353.2).

ClinVar aggregate classification (germline): Uncertain significance (1 of 4 stars; one submission).

Submission:

Dasa
Classification: Uncertain significance. Last evaluated: 2025-06-20. Review status: criteria provided, single submitter. Criteria: DASA Assertion Criteria. Collection method: clinical testing. Allele origin: germline.
Comment: NM_031206.7(LAS1L):c.384G>C (p.Glu128Asp) is a missense variant that results in the substitution of glutamic acid with aspartic acid. This variant is rare in population databases. Computational prediction algorithms are consistent with a deleterious effect. The currently available literature and clinical evidence are not sufficient to establish a definitive association between this variant and the reported condition. Therefore, this variant is classified as a variant of uncertain significance.